The following is an entry in ClinVar:

NC_000015.9:g.(?_62210455)_(62213811_?)del

Gene: VPS13C (vacuolar protein sorting 13 homolog C; minus strand). Cytogenetic location: 15q22.2.
Variant type: Deletion.
Identifiers: ClinVar variation 2426621 (VCV002426621.4).

ClinVar aggregate classification (germline): Uncertain significance (1 of 4 stars; one submission).

Submission:

Labcorp Genetics (formerly Invitae), Labcorp
Classification: Uncertain significance. Last evaluated: 2022-06-03. Review status: criteria provided, single submitter. Criteria: Invitae Variant Classification Sherloc (09022015). Collection method: clinical testing. Allele origin: germline.
Comment: In summary, the available evidence is currently insufficient to determine the role of this variant in disease. Therefore, it has been classified as a Variant of Uncertain Significance. This variant has not been reported in the literature in individuals affected with VPS13C-related conditions. This variant results in the deletion of exons 56-58 and part of exon 59 (c.7062+335_7640del) of the VPS13C gene. It is expected to disrupt RNA splicing. Variants that disrupt the donor or acceptor splice site typically lead to a loss of protein function (PMID: 16199547), however the current clinical and genetic evidence is not sufficient to establish whether loss-of-function variants in VPS13C cause disease.

Literature cited by the submitters: PubMed 16199547.